The following is an entry in ClinVar:

ClinVar aggregate classification (germline): Uncertain significance (1 of 4 stars; one submission).

Submission:

Dasa
Classification: Uncertain significance. Last evaluated: 2025-12-03. Review status: criteria provided, single submitter. Criteria: DASA Assertion Criteria. Collection method: clinical testing. Allele origin: germline.
Comment: NM_002693.3(POLG):c.1234C>T (p.Pro412Ser) is a missense variant that results in the substitution of proline with serine. Functional evidence supports an impact on the gene or gene product (PMID: 27987238). Also, this variant is absent from population databases. Computational prediction algorithms are consistent with a deleterious effect. The currently available literature and clinical evidence are not sufficient to establish a definitive association between this variant and the reported condition. Therefore, this variant is classified as a variant of uncertain significance.

Literature cited by the submitters: PubMed 27987238.

NM_002693.3(POLG):c.1234C>T (p.Pro412Ser)

Gene: POLG (DNA polymerase gamma, catalytic subunit; minus strand). Cytogenetic location: 15q26.1.
Variant type: single nucleotide variant.
Coding change: c.1234C>T on transcript NM_002693.3 (MANE Select); coding-DNA position 1234, C replaced by T.
Protein change: p.Pro412Ser; replaces proline 412 with serine.
Molecular consequence: missense variant.
Genome position (GRCh38, 1-based): chr15:89,328,472, G>A on the plus strand (C>T on the coding strand, the complement: POLG is on the minus strand). VCF-style: chr15-89328472-G-A. GRCh37 (hg19) VCF-style: chr15-89871703-G-A.
Other names: c.1234C>T, p.Pro412Ser (NM_001126131.2); short protein forms P412S.
Identifiers: ClinVar variation 4885886 (VCV004885886.2).